The following is an entry in ClinVar:

NM_001386393.1(PANK2):c.766C>G (p.Pro256Ala)

Gene: PANK2 (pantothenate kinase 2; plus strand). Cytogenetic location: 20p13.
Variant type: single nucleotide variant.
Coding change: c.766C>G on transcript NM_001386393.1 (MANE Select); coding-DNA position 766, C replaced by G.
Protein change: p.Pro256Ala; replaces proline 256 with alanine.
Molecular consequence: missense variant. On other transcripts: 5 prime UTR variant (1), non-coding transcript variant (1).
Genome position (GRCh38, 1-based): chr20:3,910,691, C>G. VCF-style: chr20-3910691-C-G. GRCh37 (hg19) VCF-style: chr20-3891338-C-G.
Other names: c.223C>G, p.Pro75Ala (NM_001324191.2, NM_024960.6, NM_153640.4); c.-213C>G (NM_001324193.2); c.1096C>G, p.Pro366Ala (NM_153638.4); short protein forms P366A, P256A, P75A.
Identifiers: ClinVar variation 1382752 (VCV001382752.3), dbSNP rs777624606, ClinGen allele CA9750767.

ClinVar aggregate classification (germline): Uncertain significance (1 of 4 stars; one submission).

Conditions:
Pigmentary pallidal degeneration (NBIA1). Also called: HARP SYNDROME; PKAN NEUROAXONAL DYSTROPHY, JUVENILE-ONSET; Pantothenate Kinase-Associated Neurodegeneration; Neuroaxonal dystrophy, late infantile; Hallervorden-Spatz disease; Neurodegeneration with brain iron accumulation 1. Identifiers: Orphanet 157850, MedGen C0018523, MONDO:0009319, OMIM 234200.

Allele frequency attached by ClinVar (database versions not stated): ExAC 0.00001.
gnomAD v4.1: 4 of 1,614,108 alleles (0.00025%); highest among the groups gnomAD compares: Admixed American, 0.0033%; no homozygotes.

Submission:

Labcorp Genetics (formerly Invitae), Labcorp
Classification: Uncertain significance for Pigmentary pallidal degeneration. Last evaluated: 2021-12-02. Review status: criteria provided, single submitter. Criteria: Invitae Variant Classification Sherloc (09022015). Collection method: clinical testing. Allele origin: germline.
Comment: This sequence change replaces proline, which is neutral and non-polar, with alanine, which is neutral and non-polar, at codon 366 of the PANK2 protein (p.Pro366Ala). This variant is present in population databases (rs777624606, gnomAD 0.006%). This variant has not been reported in the literature in individuals affected with PANK2-related conditions. Algorithms developed to predict the effect of missense changes on protein structure and function (SIFT, PolyPhen-2, Align-GVGD) all suggest that this variant is likely to be tolerated. In summary, the available evidence is currently insufficient to determine the role of this variant in disease. Therefore, it has been classified as a Variant of Uncertain Significance.